The following is an entry in ClinVar:

NM_002103.5(GYS1):c.200C>T (p.Pro67Leu)

Gene: GYS1 (glycogen synthase 1; minus strand). Cytogenetic location: 19q13.33.
Variant type: single nucleotide variant.
Coding change: c.200C>T on transcript NM_002103.5 (MANE Select); coding-DNA position 200, C replaced by T.
Protein change: p.Pro67Leu; replaces proline 67 with leucine.
Molecular consequence: missense variant.
Genome position (GRCh38, 1-based): chr19:48,991,402, G>A on the plus strand (C>T on the coding strand, the complement: GYS1 is on the minus strand). VCF-style: chr19-48991402-G-A. GRCh37 (hg19) VCF-style: chr19-49494659-G-A.
Other names: c.200C>T, p.Pro67Leu (NM_001161587.2); short protein forms P67L.
Identifiers: ClinVar variation 1397488 (VCV001397488.6), dbSNP rs376369611, ClinGen allele CA9563422.

ClinVar aggregate classification (germline): Uncertain significance (1 of 4 stars; one submission).

Conditions:
Glycogen storage disease due to muscle and heart glycogen synthase deficiency. Also called: GSD 0b; MUSCLE GLYCOGEN SYNTHASE DEFICIENCY. Identifiers: Orphanet 137625, MedGen C1969054, MONDO:0012693, OMIM 611556.

Allele frequency attached by ClinVar (database versions not stated): gnomAD exomes below 0.00001; ExAC 0.00001; gnomAD 0.00001 and 0.00002; TOPMed 0.00002; ESP Exome Variant Server 0.00008.
gnomAD v4.1: 7 of 1,613,988 alleles (0.00043%); highest among the groups gnomAD compares: African/African-American, 0.0027%; no homozygotes.

Submission:

Labcorp Genetics (formerly Invitae), Labcorp
Classification: Uncertain significance for Glycogen storage disease due to muscle and heart glycogen synthase deficiency. Last evaluated: 2025-04-28. Review status: criteria provided, single submitter. Criteria: Invitae Variant Classification Sherloc (09022015). Collection method: clinical testing. Allele origin: germline.
Comment: This sequence change replaces proline, which is neutral and non-polar, with leucine, which is neutral and non-polar, at codon 67 of the GYS1 protein (p.Pro67Leu). This variant is present in population databases (rs376369611, gnomAD 0.004%). This variant has not been reported in the literature in individuals affected with GYS1-related conditions. ClinVar contains an entry for this variant (Variation ID: 1397488). Invitae Evidence Modeling of protein sequence and biophysical properties (such as structural, functional, and spatial information, amino acid conservation, physicochemical variation, residue mobility, and thermodynamic stability) indicates that this missense variant is not expected to disrupt GYS1 protein function with a negative predictive value of 80%. In summary, the available evidence is currently insufficient to determine the role of this variant in disease. Therefore, it has been classified as a Variant of Uncertain Significance.